The following is an entry in ClinVar:

NM_000492.4(CFTR):c.3779T>C (p.Leu1260Pro)

Genes: CFTR (CF transmembrane conductance regulator; plus strand), CFTR-AS2 (CFTR antisense RNA 2; minus strand). Cytogenetic location: 7q31.2.
Variant type: single nucleotide variant.
Coding change: c.3779T>C on transcript NM_000492.4 (MANE Select); coding-DNA position 3779, T replaced by C.
Protein change: p.Leu1260Pro; replaces leucine 1260 with proline.
Molecular consequence: missense variant.
Genome position (GRCh38, 1-based): chr7:117,642,499, T>C. VCF-style: chr7-117642499-T-C. GRCh37 (hg19) VCF-style: chr7-117282553-T-C.
Other names: short protein forms L1260P.
Identifiers: ClinVar variation 1734822 (VCV001734822.2), dbSNP rs2485159914, ClinGen allele CA368974798.

ClinVar aggregate classification (germline): Uncertain significance (1 of 4 stars; one submission).

Conditions:
Cystic fibrosis (CF). Also called: MUCOVISCIDOSIS. Identifiers: Orphanet 586, MedGen C0010674, MONDO:0009061, OMIM 219700. Disease mechanism: loss of function.

Submission:

Ambry Genetics
Classification: Uncertain significance for Cystic fibrosis. Last evaluated: 2020-06-10. Review status: criteria provided, single submitter. Criteria: Ambry Variant Classification Scheme 2023. Collection method: clinical testing. Allele origin: germline.
Comment: The p.L1260P variant (also known as c.3779T>C), located in coding exon 23 of the CFTR gene, results from a T to C substitution at nucleotide position 3779. The leucine at codon 1260 is replaced by proline, an amino acid with similar properties. This variant was identified in conjunction with a CFTR mutation in an individual with pancreatitis and chronic cough and sputum production; phase information was not provided (Keiles S et al. Pancreas, 2006 Oct;33:221-7). This amino acid position is well conserved in available vertebrate species. In addition, this alteration is predicted to be deleterious by in silico analysis. Since supporting evidence is limited at this time, the clinical significance of this alteration remains unclear.

Literature cited by the submitters: PubMed 17003641.